The following is an entry in ClinVar:

ClinVar aggregate classification (germline): Uncertain significance (0 of 4 stars; one submission).

Conditions:
NRP2-related disorder. Also called: NRP2-related condition.

Allele frequency attached by ClinVar (database versions not stated): ExAC 0.00002; gnomAD exomes 0.00004; gnomAD 0.00005; TOPMed 0.00008; 1000 Genomes Project 30x 0.00016; 1000 Genomes Project 0.00020.
gnomAD v4.1: 62 of 1,614,136 alleles (0.0038%); highest among the groups gnomAD compares: Middle Eastern, 0.016%; no homozygotes.

Submission:

PreventionGenetics, part of Exact Sciences
Classification: Uncertain significance for NRP2-related condition. Last evaluated: 2024-04-29. Review status: no assertion criteria provided. Collection method: clinical testing. Allele origin: germline.
Comment: The NRP2 c.2557G>A variant is predicted to result in the amino acid substitution p.Asp853Asn. To our knowledge, this variant has not been reported in the literature. This variant is reported in 0.0040% of alleles in individuals of African descent in gnomAD. At this time, the clinical significance of this variant is uncertain due to the absence of conclusive functional and genetic evidence.

NM_003872.3(NRP2):c.2542G>A (p.Asp848Asn)

Gene: NRP2 (neuropilin 2; plus strand). Cytogenetic location: 2q33.3.
Variant type: single nucleotide variant.
Coding change: c.2542G>A on transcript NM_003872.3 (MANE Select); coding-DNA position 2542, G replaced by A.
Protein change: p.Asp848Asn; replaces aspartic acid 848 with asparagine.
Molecular consequence: missense variant.
Genome position (GRCh38, 1-based): chr2:205,794,819, G>A. VCF-style: chr2-205794819-G-A. GRCh37 (hg19) VCF-style: chr2-206659543-G-A.
Other names: c.2557G>A, p.Asp853Asn (NM_201266.2); c.2491G>A, p.Asp831Asn (NM_201279.2); short protein forms D831N, D848N, D853N.
Identifiers: ClinVar variation 2634937 (VCV002634937.2), dbSNP rs201258364, ClinGen allele CA2069610.